The following is an entry in ClinVar:

NM_006231.4(POLE):c.931G>T (p.Glu311Ter)

Gene: POLE (DNA polymerase epsilon, catalytic subunit; minus strand). Cytogenetic location: 12q24.33.
Variant type: single nucleotide variant.
Coding change: c.931G>T on transcript NM_006231.4 (MANE Select); coding-DNA position 931, G replaced by T.
Protein change: p.Glu311Ter; replaces glutamic acid 311 with a stop codon.
Molecular consequence: nonsense.
Genome position (GRCh38, 1-based): chr12:132,676,183, C>A on the plus strand (G>T on the coding strand, the complement: POLE is on the minus strand). VCF-style: chr12-132676183-C-A. GRCh37 (hg19) VCF-style: chr12-133252769-C-A.
Other names: short protein forms E311*.
Identifiers: ClinVar variation 3076182 (VCV003076182.2), dbSNP rs2542167874, ClinGen allele CA387363901.

ClinVar aggregate classification (germline): Uncertain significance (1 of 4 stars; one submission).

Conditions:
Hereditary cancer-predisposing syndrome. Also called: Tumor predisposition; Hereditary neoplastic syndrome; Neoplastic Syndromes, Hereditary; Hereditary Cancer Syndrome. Identifiers: Orphanet 140162, MedGen C0027672, MeSH D009386, MONDO:0015356.

Submission:

Ambry Genetics
Classification: Uncertain significance for Hereditary cancer-predisposing syndrome. Last evaluated: 2026-03-19. Review status: criteria provided, single submitter. Criteria: Ambry Variant Classification Scheme 2023. Collection method: clinical testing. Allele origin: germline.
Comment: The p.E311* variant (also known as c.931G>T), located in coding exon 10 of the POLE gene, results from a G to T substitution at nucleotide position 931. This changes the amino acid from a glutamic acid to a stop codon within coding exon 10. Loss-of-function variants are expected to result in loss of function by premature protein truncation or nonsense-mediated mRNA decay. However, In silico splice site analysis predicts that this alteration will result in the creation or strengthening of a novel splice acceptor site. The exact functional effect of this variant is unknown. Based on the available evidence, the clinical significance of this variant remains unclear.